The following is an entry in ClinVar:

NM_014712.3(SETD1A):c.4725C>T (p.Ser1575=)

Gene: SETD1A (SET domain containing 1A, histone lysine methyltransferase; plus strand). Cytogenetic location: 16p11.2.
Variant type: single nucleotide variant.
Coding change: c.4725C>T on transcript NM_014712.3 (MANE Select); coding-DNA position 4725, C replaced by T.
Protein change: p.Ser1575=; no amino-acid change (serine 1575 retained).
Molecular consequence: synonymous variant.
Genome position (GRCh38, 1-based): chr16:30,981,093, C>T. VCF-style: chr16-30981093-C-T. GRCh37 (hg19) VCF-style: chr16-30992414-C-T.
Identifiers: ClinVar variation 2646460 (VCV002646460.25), dbSNP rs147153440, ClinGen allele CA8017683.

ClinVar aggregate classification (germline): Likely benign. Review status: criteria provided, multiple submitters, no conflicts (2 of 4 stars). 2 submissions from 2 submitters: Likely benign (2). Last evaluated 2026-05-01.

Allele frequency attached by ClinVar (database versions not stated): ESP Exome Variant Server 0.00031; gnomAD exomes 0.00032; gnomAD 0.00033; ExAC 0.00034; TOPMed 0.00048.
gnomAD v4.1: 534 of 1,614,218 alleles (0.033%); highest among the groups gnomAD compares: Middle Eastern, 0.16%; no homozygotes.

Submissions (2):

CeGaT Center for Human Genetics Tuebingen
Classification: Likely benign. Last evaluated: 2026-05-01. Review status: criteria provided, single submitter. Criteria: CeGaT Center For Human Genetics Tuebingen Variant Classification Criteria Version 2. Collection method: clinical testing. Allele origin: germline. Affected: yes. Observed: 3 variant alleles.
Comment: SETD1A: BP4, BP7

Blueprint Genetics
Classification: Likely benign. Last evaluated: 2024-11-20. Review status: criteria provided, single submitter. Criteria: ACMG Guidelines, 2015. Collection method: clinical testing. Allele origin: germline.